The following is an entry in ClinVar:

NM_201253.3(CRB1):c.3961T>G (p.Cys1321Gly)

Gene: CRB1 (crumbs cell polarity complex component 1; plus strand). Cytogenetic location: 1q31.3.
Variant type: single nucleotide variant.
Coding change: c.3961T>G on transcript NM_201253.3 (MANE Select); coding-DNA position 3961, T replaced by G.
Protein change: p.Cys1321Gly; replaces cysteine 1321 with glycine.
Molecular consequence: missense variant. On other transcripts: non-coding transcript variant (2).
Genome position (GRCh38, 1-based): chr1:197,442,248, T>G. VCF-style: chr1-197442248-T-G. GRCh37 (hg19) VCF-style: chr1-197411378-T-G.
Other names: c.3625T>G, p.Cys1209Gly (NM_001193640.2); c.3889T>G, p.Cys1297Gly (NM_001257965.2); c.2353T>G, p.Cys785Gly (NM_001257966.2); short protein forms C1321G, C1209G, C1297G, C785G.
Identifiers: ClinVar variation 801602 (VCV000801602.10), dbSNP rs62635649, ClinGen allele CA344052628.

ClinVar aggregate classification (germline): Likely pathogenic. Review status: criteria provided, multiple submitters, no conflicts (2 of 4 stars). 9 submissions from 7 submitters: Likely pathogenic (9). Last evaluated 2024-10-04.

Conditions:
Retinitis pigmentosa 12 (RP12). Also called: RP WITH OR WITHOUT PRESERVED PARAARTERIOLE RETINAL PIGMENT EPITHELIUM; RETINITIS PIGMENTOSA WITH OR WITHOUT PARAARTERIOLAR PRESERVATION OF RETINAL PIGMENT EPITHELIUM; RP WITH OR WITHOUT PPRPE. Identifiers: Orphanet 791, MedGen C1838647, MONDO:0010818, OMIM 600105.
Pigmented paravenous retinochoroidal atrophy. Identifiers: Orphanet 251295, MedGen C1868310, MONDO:0008246, OMIM 172870.
Leber congenital amaurosis 8 (LCA8). Identifiers: Orphanet 65, MedGen C3151202, MONDO:0013453, OMIM 613835.
Leber congenital amaurosis 1 (LCA1). Also called: Congenital absence of the rods and cones; Leber's congenital tapetoretinal degeneration; Leber's congenital tapetoretinal dysplasia; AMAUROSIS CONGENITA OF LEBER I; RETINAL BLINDNESS, CONGENITAL. Identifiers: Orphanet 65, MedGen C2931258, MONDO:0008764, OMIM 204000.

Allele frequency attached by ClinVar (database versions not stated): gnomAD exomes below 0.00001.
gnomAD v4.1: 2 of 1,614,232 alleles (0.00012%); highest among the groups gnomAD compares: South Asian, 0.0011%; no homozygotes.

Submissions (9):

Dubai Health Genomic Medicine Center, Dubai Health
Classification: Likely pathogenic for Leber congenital amaurosis 8. Last evaluated: 2024-10-04. Review status: criteria provided, single submitter. Criteria: ACMG Guidelines, 2015. Collection method: research. Allele origin: germline. Affected: yes.
Comment: PM3,PM5,PM2,PP3,PP2

Baylor Genetics
Classification: Likely pathogenic for Leber congenital amaurosis 8. Last evaluated: 2024-01-25. Review status: criteria provided, single submitter. Criteria: ACMG Guidelines, 2015. Collection method: clinical testing. Allele origin: unknown.

Labcorp Genetics (formerly Invitae), Labcorp
Classification: Likely pathogenic for Leber congenital amaurosis 8; Retinitis pigmentosa 12. Last evaluated: 2023-09-17. Review status: criteria provided, single submitter. Criteria: Invitae Variant Classification Sherloc (09022015). Collection method: clinical testing. Allele origin: germline.
Comment: This missense change has been observed in individuals with CRB1-related conditions (PMID: 15024725, 31725702, 33576794). ClinVar contains an entry for this variant (Variation ID: 801602). Advanced modeling of protein sequence and biophysical properties (such as structural, functional, and spatial information, amino acid conservation, physicochemical variation, residue mobility, and thermodynamic stability) performed at Invitae indicates that this missense variant is expected to disrupt CRB1 protein function. This variant disrupts the p.Cys1321 amino acid residue in CRB1. Other variant(s) that disrupt this residue have been observed in individuals with CRB1-related conditions (PMID: 26667666), which suggests that this may be a clinically significant amino acid residue. In summary, the currently available evidence indicates that the variant is pathogenic, but additional data are needed to prove that conclusively. Therefore, this variant has been classified as Likely Pathogenic. This sequence change replaces cysteine, which is neutral and slightly polar, with glycine, which is neutral and non-polar, at codon 1321 of the CRB1 protein (p.Cys1321Gly). This variant is not present in population databases (gnomAD no frequency).

Genome-Nilou Lab
Classification: Likely pathogenic for Leber congenital amaurosis 8. Last evaluated: 2023-04-11. Review status: criteria provided, single submitter. Criteria: ACMG Guidelines, 2015. Collection method: clinical testing. Allele origin: germline. Affected: no.

Genome-Nilou Lab
Classification: Likely pathogenic for Pigmented paravenous retinochoroidal atrophy. Last evaluated: 2023-04-11. Review status: criteria provided, single submitter. Criteria: ACMG Guidelines, 2015. Collection method: clinical testing. Allele origin: germline. Affected: no.

Genome-Nilou Lab
Classification: Likely pathogenic for Retinitis pigmentosa 12. Last evaluated: 2023-04-11. Review status: criteria provided, single submitter. Criteria: ACMG Guidelines, 2015. Collection method: clinical testing. Allele origin: germline. Affected: no.

3billion
Classification: Likely pathogenic for Retinitis pigmentosa 12. Last evaluated: 2022-01-03. Review status: criteria provided, single submitter. Criteria: ACMG Guidelines, 2015. Collection method: clinical testing. Allele origin: germline. Affected: yes. Observed: 1 heterozygote.
Comment: Same nucleotide change resulting in same amino acid change has been previously reported to be associated with CRB1 related disorder (ClinVar ID: VCV000801602, PMID:33576794). The variant has been reported to be in trans with a pathogenic variant as either compound heterozygous or homozygous in at least one similarly affected unrelated individual (PMID: 15024725, PM3_M). A different missense change at the same codon has been reported to be associated with CRB1 related disorder (ClinVar ID: VCV000099904, PMID:15024725,26667666, PM5_P). In silico tool predictions suggest damaging effect of the variant on gene or gene product (REVEL: 0.943, 3CNET: 0.781, PP3_P). It is not observed in the gnomAD v2.1.1 dataset (PM2_M). Therefore, this variant is classified as likely pathogenic according to the recommendation of ACMG/AMP guideline.

Fulgent Genetics
Classification: Likely pathogenic for Pigmented paravenous retinochoroidal atrophy; Retinitis pigmentosa 12; Leber congenital amaurosis 8. Last evaluated: 2021-12-17. Review status: criteria provided, single submitter. Criteria: ACMG Guidelines, 2015. Collection method: clinical testing. Allele origin: unknown.

Mendelics
Classification: Likely pathogenic for Leber congenital amaurosis 1. Last evaluated: 2019-05-28. Review status: criteria provided, single submitter. Criteria: Mendelics Assertion Criteria 2017. Collection method: clinical testing. Allele origin: unknown.

Literature cited by the submitters: PubMed 15024725 (cited by Labcorp Genetics (formerly Invitae), Labcorp and 3billion); PubMed 31725702 (cited by Labcorp Genetics (formerly Invitae), Labcorp); PubMed 33576794 (cited by Labcorp Genetics (formerly Invitae), Labcorp and 3billion); PubMed 26667666 (cited by Labcorp Genetics (formerly Invitae), Labcorp).